The following is an entry in ClinVar:

ClinVar aggregate classification (germline): Uncertain significance (1 of 4 stars; one submission).

Conditions:
Oligodontia-cancer predisposition syndrome. Also called: TOOTH AGENESIS-COLORECTAL CANCER SYNDROME. Identifiers: Orphanet 300576, MedGen C1837750, MONDO:0012075, OMIM 608615. Disease mechanism: loss of function.

Submission:

Labcorp Genetics (formerly Invitae), Labcorp
Classification: Uncertain significance for Oligodontia-cancer predisposition syndrome. Last evaluated: 2022-04-29. Review status: criteria provided, single submitter. Criteria: Invitae Variant Classification Sherloc (09022015). Collection method: clinical testing. Allele origin: germline.
Comment: This variant has not been reported in the literature in individuals affected with AXIN2-related conditions. This sequence change replaces threonine, which is neutral and polar, with alanine, which is neutral and non-polar, at codon 235 of the AXIN2 protein (p.Thr235Ala). This variant is not present in population databases (gnomAD no frequency). Algorithms developed to predict the effect of missense changes on protein structure and function output the following: SIFT: "Tolerated"; PolyPhen-2: "Benign"; Align-GVGD: "Class C0". The alanine amino acid residue is found in multiple mammalian species, which suggests that this missense change does not adversely affect protein function. In summary, the available evidence is currently insufficient to determine the role of this variant in disease. Therefore, it has been classified as a Variant of Uncertain Significance.

NM_004655.4(AXIN2):c.703A>G (p.Thr235Ala)

Gene: AXIN2 (axin 2; minus strand). Cytogenetic location: 17q24.1.
Variant type: single nucleotide variant.
Coding change: c.703A>G on transcript NM_004655.4 (MANE Select); coding-DNA position 703, A replaced by G.
Protein change: p.Thr235Ala; replaces threonine 235 with alanine.
Molecular consequence: missense variant.
Genome position (GRCh38, 1-based): chr17:65,557,918, T>C on the plus strand (A>G on the coding strand, the complement: AXIN2 is on the minus strand). VCF-style: chr17-65557918-T-C. GRCh37 (hg19) VCF-style: chr17-63554036-T-C.
Other names: c.703A>G, p.Thr235Ala (NM_001363813.1); short protein forms T235A.
Identifiers: ClinVar variation 2131928 (VCV002131928.4), dbSNP rs2144582941, ClinGen allele CA400680448.